The following is an entry in ClinVar:

NC_000002.12:g.(?_32136553)_(32137198_?)del

Gene: SPAST (spastin; plus strand). Cytogenetic location: 2p22.3.
Variant type: Deletion.
Identifiers: ClinVar variation 649635 (VCV000649635.1).

ClinVar aggregate classification (germline): Pathogenic (1 of 4 stars; one submission).

Conditions:
Hereditary spastic paraplegia 4. Also called: Spastic paraplegia 4, autosomal dominant; Familial spastic paraplegia autosomal dominant 2; Spastic Paraplegia 4. Identifiers: Orphanet 100985, MedGen C1866855, MONDO:0008438, OMIM 182601.

Submission:

Labcorp Genetics (formerly Invitae), Labcorp
Classification: Pathogenic for Spastic paraplegia 4, autosomal dominant. Last evaluated: 2018-09-26. Review status: criteria provided, single submitter. Criteria: Invitae Variant Classification Sherloc (09022015). Collection method: clinical testing. Allele origin: germline.
Comment: This variant is an out-of-frame deletion of the genomic region encompassing exons 10-12 of the SPAST gene. This is expected to create a premature translational stop signal and result in an absent or disrupted protein product. A similar deletion of exons 10-12 has beenÂ¬â€ observed in familiesÂ¬â€ affected withÂ¬â€ hereditary spastic paraplegiaÂ¬â€ (PMID: 17035675, 17594340). Loss-of-function variants in SPAST are known to be pathogenic (PMID: 20932283). For these reasons, this variant has been classified as Pathogenic.

Literature cited by the submitters: PubMed 17594340; PubMed 17035675.